The following is an entry in ClinVar:

ClinVar aggregate classification (germline): Uncertain significance (1 of 4 stars; one submission).

Submission:

Labcorp Genetics (formerly Invitae), Labcorp
Classification: Uncertain significance. Last evaluated: 2022-11-28. Review status: criteria provided, single submitter. Criteria: Invitae Variant Classification Sherloc (09022015). Collection method: clinical testing. Allele origin: germline.
Comment: This sequence change replaces glutamic acid, which is acidic and polar, with lysine, which is basic and polar, at codon 366 of the IL12RB2 protein (p.Glu366Lys). This variant is not present in population databases (gnomAD no frequency). This variant has not been reported in the literature in individuals affected with IL12RB2-related conditions. Algorithms developed to predict the effect of missense changes on protein structure and function (SIFT, PolyPhen-2, Align-GVGD) all suggest that this variant is likely to be tolerated. In summary, the available evidence is currently insufficient to determine the role of this variant in disease. Therefore, it has been classified as a Variant of Uncertain Significance.

NM_001374259.2(IL12RB2):c.1096G>A (p.Glu366Lys)

Gene: IL12RB2 (interleukin 12 receptor subunit beta 2; plus strand). Cytogenetic location: 1p31.3.
Variant type: single nucleotide variant.
Coding change: c.1096G>A on transcript NM_001374259.2 (MANE Select); coding-DNA position 1096, G replaced by A.
Protein change: p.Glu366Lys; replaces glutamic acid 366 with lysine.
Molecular consequence: missense variant. On other transcripts: non-coding transcript variant (2).
Genome position (GRCh38, 1-based): chr1:67,350,927, G>A. VCF-style: chr1-67350927-G-A. GRCh37 (hg19) VCF-style: chr1-67816610-G-A.
Other names: c.1096G>A, p.Glu366Lys (NM_001258214.1, NM_001258215.1, NM_001258216.1 and 2 more transcripts); short protein forms E366K.
Identifiers: ClinVar variation 2816985 (VCV002816985.3), dbSNP rs2526222634, ClinGen allele CA340736586.